The following is an entry in ClinVar:

ClinVar aggregate classification (germline): Pathogenic (1 of 4 stars; one submission).

Conditions:
Hypertrophic cardiomyopathy 26. Also called: Cardiomyopathy, familial hypertrophic, 26. Identifiers: Orphanet 75249, MedGen C4310749, MONDO:0014883, OMIM 617047.

Submission:

Centre for Mendelian Genomics, University Medical Centre Ljubljana
Classification: Pathogenic for Hypertrophic cardiomyopathy 26. Last evaluated: 2019-06-03. Review status: criteria provided, single submitter. Criteria: ACMG Guidelines, 2015. Collection method: clinical testing. Allele origin: unknown. Affected: yes.
Comment: This variant was classified as: Pathogenic. The following ACMG criteria were applied in classifying this variant: PVS1,PM2,PP4.

NM_001458.4(FLNC):c.3791-1delG

Gene: FLNC (filamin C; plus strand). Cytogenetic location: 7q32.1.
Variant type: Deletion.
Coding change: c.3791-1delG on transcript NM_001458.4; the canonical splice acceptor site of the intron before coding-DNA position 3791, one base deleted (G).
Genome position (GRCh38, 1-based): chr7:128,845,990, G deleted; the last of 2 consecutive G bases (chr7:128,845,989-128,845,990); deleting either gives the same sequence. VCF-style (leftmost placement, unchanged base first): chr7-128845988-AG-A. GRCh37 (hg19) VCF-style: chr7-128486042-AG-A.
Identifiers: ClinVar variation 931563 (VCV000931563.5), dbSNP rs1808546796, ClinGen allele CA1139660255.